The following is an entry in ClinVar:

ClinVar aggregate classification (germline): Pathogenic (1 of 4 stars; one submission).

Conditions:
Multiple congenital anomalies-hypotonia-seizures syndrome 1 (MCAHS1). Also called: GLYCOSYLPHOSPHATIDYLINOSITOL BIOSYNTHESIS DEFECT 3; PIGN-CDG; Congenital disorder of glycosylation due to PIGN deficiency. Identifiers: Orphanet 280633, MedGen C3279775, MONDO:0013563, OMIM 614080.

Submission:

Labcorp Genetics (formerly Invitae), Labcorp
Classification: Pathogenic for Multiple congenital anomalies-hypotonia-seizures syndrome 1. Last evaluated: 2023-11-01. Review status: criteria provided, single submitter. Criteria: Invitae Variant Classification Sherloc (09022015). Collection method: clinical testing. Allele origin: unknown.
Comment: This variant is a gross deletion of the genomic region encompassing exon(s) 4-30 of the PIGN gene, which includes the initiator codon. This deletion extends beyond the assayed region for this gene and therefore may encompass additional genes. It is expected to result in an absent or disrupted protein product. Loss-of-function variants in PIGN are known to be pathogenic (PMID: 24253414, 27038415). This variant has not been reported in the literature in individuals affected with PIGN-related conditions. For these reasons, this variant has been classified as Pathogenic.

Literature cited by the submitters: PubMed 24253414; PubMed 27038415.

NC_000018.9:g.(?_59739886)_(59828586_?)del

Gene: PIGN (phosphatidylinositol glycan anchor biosynthesis class N; minus strand). Cytogenetic location: 18q21.33.
Variant type: Deletion.
Identifiers: ClinVar variation 3242779 (VCV003242779.1).